The following is an entry in ClinVar:

ClinVar aggregate classification (germline): Uncertain significance. Review status: criteria provided, multiple submitters, no conflicts (2 of 4 stars). 2 submissions from 2 submitters: Uncertain significance (2). Last evaluated 2024-06-12.

Conditions:
Aortic aneurysm, familial thoracic 7 (AAT7). Also called: AORTIC DISSECTION, FAMILIAL, WITH OR WITHOUT AORTIC ANEURYSM. Identifiers: MedGen C3151077, MONDO:0013418, OMIM 613780.

Allele frequency attached by ClinVar (database versions not stated): gnomAD 0.00001; gnomAD exomes 0.00001 and 0.00002; ExAC 0.00003; TOPMed 0.00003.
gnomAD v4.1: 20 of 1,614,034 alleles (0.0012%); highest among the groups gnomAD compares: Admixed American, 0.01%; no homozygotes.

Submissions (2):

Labcorp Genetics (formerly Invitae), Labcorp
Classification: Uncertain significance for Aortic aneurysm, familial thoracic 7. Last evaluated: 2024-06-12. Review status: criteria provided, single submitter. Criteria: Invitae Variant Classification Sherloc (09022015). Collection method: clinical testing. Allele origin: germline.
Comment: This sequence change replaces glycine, which is neutral and non-polar, with serine, which is neutral and polar, at codon 1306 of the MYLK protein (p.Gly1306Ser). This variant is present in population databases (rs755117377, gnomAD 0.01%). This variant has not been reported in the literature in individuals affected with MYLK-related conditions. ClinVar contains an entry for this variant (Variation ID: 409712). Advanced modeling of protein sequence and biophysical properties (such as structural, functional, and spatial information, amino acid conservation, physicochemical variation, residue mobility, and thermodynamic stability) performed at Invitae indicates that this missense variant is not expected to disrupt MYLK protein function with a negative predictive value of 80%. In summary, the available evidence is currently insufficient to determine the role of this variant in disease. Therefore, it has been classified as a Variant of Uncertain Significance.

Victorian Clinical Genetics Services, Murdoch Childrens Research Institute
Classification: Uncertain significance for Aortic aneurysm, familial thoracic 7. Last evaluated: 2022-09-02. Review status: criteria provided, single submitter. Criteria: ACMG Guidelines, 2015. Collection method: clinical testing. Allele origin: germline. Inheritance: Autosomal dominant inheritance. Affected: yes.
Comment: Based on the classification scheme VCGS_Germline_v1.3.4, this variant is classified as VUS-3B. Following criteria are met: 0102 - Loss of function is a known mechanism of disease in this gene and is associated with autosomal dominant familial thoracic aortic aneurysm 7 (MIM#613780). It has also been reported for autosomal recessive megacystis-microcolon-intestinal hypoperistalsis syndrome 1 (MIM#249210), however this gene-disease association has not been established conclusively (PanelApp Australia). (I) 0107 - This gene is associated with autosomal dominant familial thoracic aortic aneurysm 7 (MIM#613780) although homozygotes with more early-onset severe disease have also been reported (PMID: 29544503; OMIM). It has also been associated with autosomal recessive megacystis-microcolon-intestinal hypoperistalsis syndrome 1 (MIM#249210), however this gene-disease association has not been established conclusively (PanelApp Australia). (I) 0112 - The familial thoracic aortic aneurysm 7 associated with this gene has incomplete penetrance (PMIDs: 29544503, 21055718; OMIM). (I) 0115 - Variants associated with familial thoracic aortic aneurysm 7 in this gene are known to have variable expressivity (PMIDs: 29544503, 21055718). (I) 0200 - Variant is predicted to result in a missense amino acid change from glycine to serine. (I) 0251 - This variant is heterozygous. (I) 0302 - Variant is present in gnomAD <0.001 for a dominant condition (v2 & v3: 5 heterozygotes, 0 homozygotes). (SP) 0309 - An alternative amino acid change at the same position has been observed in gnomAD (v2 & v3: 2 heterozygotes, 0 homozygotes). (I) 0502 - Missense variant with conflicting in silico predictions and uninformative conservation. (I) 0600 - Variant is located in the annotated immunoglobulin I-set domain (DECIPHER). (I) 0705 - No comparable missense variants have previous evidence for pathogenicity. (I) 0809 - Previous evidence of pathogenicity for this variant is inconclusive. It has been reported as a VUS by a clinical testing laboratory in three unrelated individuals with connective tissue features (mainly in skeletal tissue or joint) and an unaffected parent, an individual with non aortic-related artery disease, and an individual with a family history of aortic aneurysm who was positive for a known familial variant in an alternative gene associated with aortic aneurysm (ClinVar, personal communication). (I) 0905 - No published segregation evidence has been identified for this variant. (I) 1007 - No published functional evidence has been identified for this variant. (I) 1208 - Inheritance information for this variant is not currently available in this individual. (I) Legend: (SP) - Supporting pathogenic, (I) - Information, (SB) - Supporting benign

Literature cited by the submitters: PubMed 21055718 (cited by Victorian Clinical Genetics Services, Murdoch Childrens Research Institute); PubMed 29544503 (cited by Victorian Clinical Genetics Services, Murdoch Childrens Research Institute).

NM_053025.4(MYLK):c.3916G>A (p.Gly1306Ser)

Gene: MYLK (myosin light chain kinase; minus strand). Cytogenetic location: 3q21.1.
Variant type: single nucleotide variant.
Coding change: c.3916G>A on transcript NM_053025.4 (MANE Select); coding-DNA position 3916, G replaced by A.
Protein change: p.Gly1306Ser; replaces glycine 1306 with serine.
Molecular consequence: missense variant.
Genome position (GRCh38, 1-based): chr3:123,664,174, C>T on the plus strand (G>A on the coding strand, the complement: MYLK is on the minus strand). VCF-style: chr3-123664174-C-T. GRCh37 (hg19) VCF-style: chr3-123383021-C-T.
Other names: c.3709G>A, p.Gly1237Ser (NM_053026.4, NM_053028.4); c.3916G>A, p.Gly1306Ser (NM_053027.4); c.3388G>A, p.Gly1130Ser (NM_001321309.2); short protein forms G1306S, G1130S, G1237S.
Identifiers: ClinVar variation 409712 (VCV000409712.11), dbSNP rs755117377, ClinGen allele CA070474.
Genomic context (GRCh38, chr3:123,664,174, plus strand): 5'-TGAGGTTGACCTGGGCCTGCCTGCTGCCCAGCTTGTTCTCCACCAGCAGTGTGTAGCAGC[C>T]GCAGTGCTCCTGGCGCGCGGCCAGGATGGTGAGCTTGCTGCCATTCTCGCTGTTCTCCAC-3'
Protein context (NP_444253.3, residues 1296-1316): TILAARQEHC[Gly1306Ser]CYTLLVENKL